The following is an entry in ClinVar:

NM_000051.4(ATM):c.2069_2074dup (p.Asp691_Arg692insLeuAsp)

Gene: ATM (ATM serine/threonine kinase; plus strand). Cytogenetic location: 11q22.3.
Variant type: Duplication.
Coding change: c.2069_2074dup on transcript NM_000051.4 (MANE Select); coding-DNA positions 2069 to 2074, 6 bases duplicated (TGGATC; older notation c.2069_2074dupTGGATC).
Protein change: p.Asp691_Arg692insLeuAsp.
Molecular consequence: inframe insertion. On other transcripts: inframe indel (1).
Genome position (GRCh38, 1-based): chr11:108,253,984-108,253,989, TGGATC duplicated; duplicating any 6 consecutive bases within chr11:108,253,983-108,253,989 gives the same sequence; the c. name uses the placement nearest the transcript's 3' end. VCF-style (leftmost placement, unchanged base first): chr11-108253982-A-ACTGGAT. GRCh37 (hg19) VCF-style: chr11-108124709-A-ACTGGAT.
Other names: c.2069_2074dup, p.Asp691_Arg692insLeuAsp (NM_001351834.2); c.2069_2074dupTGGATC (NM_000051.3).
Identifiers: ClinVar variation 1785328 (VCV001785328.2), dbSNP rs2497317012, ClinGen allele CA2580083284.
Genomic context (GRCh38, chr11:108,253,982, plus strand): 5'-TGGTATAGAAAAGCACCAGTCCAGTATTGGCTTCTCTGTCCACCAGAATCTCAAGGAATC[A>ACTGGAT]CTGGATCGCTGTCTTCTGGGATTATCAGAACAGCTTCTGAATAATTACTCATCTGAGGTG-3'

ClinVar aggregate classification (germline): Uncertain significance (1 of 4 stars; one submission).

Conditions:
Hereditary cancer-predisposing syndrome. Also called: Neoplastic Syndromes, Hereditary; Tumor predisposition; Hereditary Cancer Syndrome; Hereditary neoplastic syndrome. Identifiers: Orphanet 140162, MedGen C0027672, MeSH D009386, MONDO:0015356.

Submission:

Ambry Genetics
Classification: Uncertain significance for Hereditary cancer-predisposing syndrome. Last evaluated: 2024-03-11. Review status: criteria provided, single submitter. Criteria: Ambry Variant Classification Scheme 2023. Collection method: clinical testing. Allele origin: germline.
Comment: The c.2069_2074dupTGGATC variant (also known as p.L690_D691dup), located in coding exon 12 of the ATM gene, results from an in-frame duplication of TGGATC at nucleotide positions 2069 to 2074. This results in the duplication of 2 extra residues (LD) between codons 690 and 691. This amino acid region is well conserved in available vertebrate species. In addition, the in silico prediction for this alteration is inconclusive (Choi Y et al. PLoS ONE. 2012; 7(10):e46688). Since supporting evidence is limited at this time, the clinical significance of this alteration remains unclear.